The following is an entry in ClinVar:

NM_001378457.1(DMXL2):c.88-10_88-3dup

Gene: DMXL2 (Dmx like 2; minus strand). Cytogenetic location: 15q21.2.
Variant type: Duplication.
Coding change: c.88-10_88-3dup on transcript NM_001378457.1 (MANE Select); 10 bases into the intron before coding-DNA position 88 through 3 bases into the intron before coding-DNA position 88, 8 bases duplicated (TTTTTTTT; older notation c.88-10_88-3dupTTTTTTTT).
Molecular consequence: intron variant.
Genome position (GRCh38, 1-based): chr15:51,576,184-51,576,191, AAAAAAAA duplicated on the plus strand (TTTTTTTT on the coding strand, the reverse complement: DMXL2 is on the minus strand); duplicating any 8 consecutive bases within chr15:51,576,184-51,576,203 gives the same sequence; the c. name uses the placement nearest the transcript's 3' end. VCF-style (leftmost placement, unchanged base first): chr15-51576183-T-TAAAAAAAA. GRCh37 (hg19) VCF-style: chr15-51868380-T-TAAAAAAAA.
Other names: p.?; c.88-10_88-3dup (NM_001174116.2, NM_001378460.1, NM_001174117.3 and 8 more transcripts).
Identifiers: ClinVar variation 1653623 (VCV001653623.33), dbSNP rs3078066, ClinGen allele CA490511881.
Genomic context (GRCh38, chr15:51,576,183, plus strand): 5'-ATCTGTACACATTCAAAGTCATTTGCCAAAATAACAATATCACAGCCTGATCCATATGCC[T>TAAAAAAAA]AAAAAAAAAAAAAAAAAAAAGTTTTACAATACATAAGATATGTAACTTTTGAAATCTTAT-3'

ClinVar aggregate classification (germline): Likely benign. Review status: criteria provided, multiple submitters, no conflicts (2 of 4 stars). 3 submissions from 3 submitters: Likely benign (3). Last evaluated 2026-06-01.

Submissions (3):

CeGaT Center for Human Genetics Tuebingen
Classification: Likely benign. Last evaluated: 2026-06-01. Review status: criteria provided, single submitter. Criteria: CeGaT Center For Human Genetics Tuebingen Variant Classification Criteria Version 2. Collection method: clinical testing. Allele origin: germline. Affected: yes. Observed: 14 variant alleles.
Comment: DMXL2: BS2

Labcorp Genetics (formerly Invitae), Labcorp
Classification: Likely benign. Last evaluated: 2025-12-03. Review status: criteria provided, single submitter. Criteria: Invitae Variant Classification Sherloc (09022015). Collection method: clinical testing. Allele origin: germline.

Mayo Clinic Laboratories, Mayo Clinic
Classification: Likely benign. Last evaluated: 2025-03-26. Review status: criteria provided, single submitter. Criteria: ACMG Guidelines, 2015. Collection method: clinical testing. Allele origin: germline. Observed: 1 variant allele.
Comment: BP4, BP7